The following is an entry in ClinVar:

NM_182961.4(SYNE1):c.25747C>G (p.Leu8583Val)

Gene: SYNE1 (spectrin repeat containing nuclear envelope protein 1; minus strand). Cytogenetic location: 6q25.2.
Variant type: single nucleotide variant.
Coding change: c.25747C>G on transcript NM_182961.4 (MANE Select); coding-DNA position 25747, C replaced by G.
Protein change: p.Leu8583Val; replaces leucine 8583 with valine.
Molecular consequence: missense variant.
Genome position (GRCh38, 1-based): chr6:152,135,145, G>C on the plus strand (C>G on the coding strand, the complement: SYNE1 is on the minus strand). VCF-style: chr6-152135145-G-C. GRCh37 (hg19) VCF-style: chr6-152456280-G-C.
Other names: c.2353C>G, p.Leu785Val (NM_001347701.2); c.2281C>G, p.Leu761Val (NM_001347702.2); c.25603C>G, p.Leu8535Val (NM_033071.5); short protein forms L8535V, L761V, L785V, L8583V.
Identifiers: ClinVar variation 2113021 (VCV002113021.4), dbSNP rs2549517264, ClinGen allele CA366078557.

ClinVar aggregate classification (germline): Uncertain significance (1 of 4 stars; one submission).

Conditions:
Emery-Dreifuss muscular dystrophy 4, autosomal dominant (EDMD4). Also called: EMERY-DREIFUSS MUSCULAR DYSTROPHY 4 WITH VARIABLE FEATURES. Identifiers: Orphanet 261, MedGen C2751807, MONDO:0013071, OMIM 612998.
Autosomal recessive ataxia, Beauce type. Also called: SYNE1 Deficiency; Spinocerebellar ataxia, autosomal recessive 8; ATAXIA, RECESSIVE, OF BEAUCE; SYNE1-Related Autosomal Recessive Cerebellar Ataxia. Identifiers: Orphanet 88644, MedGen C1853116, MONDO:0012549, OMIM 610743.

Submission:

Labcorp Genetics (formerly Invitae), Labcorp
Classification: Uncertain significance for Emery-Dreifuss muscular dystrophy 4, autosomal dominant; Autosomal recessive ataxia, Beauce type. Last evaluated: 2022-03-16. Review status: criteria provided, single submitter. Criteria: Invitae Variant Classification Sherloc (09022015). Collection method: clinical testing. Allele origin: germline.
Comment: This sequence change replaces leucine, which is neutral and non-polar, with valine, which is neutral and non-polar, at codon 8535 of the SYNE1 protein (p.Leu8535Val). This variant is not present in population databases (gnomAD no frequency). This variant has not been reported in the literature in individuals affected with SYNE1-related conditions. Algorithms developed to predict the effect of missense changes on protein structure and function (SIFT, PolyPhen-2, Align-GVGD) all suggest that this variant is likely to be tolerated. In summary, the available evidence is currently insufficient to determine the role of this variant in disease. Therefore, it has been classified as a Variant of Uncertain Significance.